The following is an entry in ClinVar:

ClinVar aggregate classification (germline): Likely benign. Review status: criteria provided, multiple submitters, no conflicts (2 of 4 stars). 5 submissions from 5 submitters: Likely benign (4). 1 of the submissions does not count toward it. Last evaluated 2026-02-02.

Conditions:
Cardiovascular phenotype. Identifiers: MedGen CN230736.
Long QT syndrome (LQTS). Identifiers: MedGen C0023976, MeSH D008133, MONDO:0002442. Disease mechanism: loss of function. Inheritance: Various modes of inheritance.
KCNJ5-related disorder. Also called: KCNJ5-related condition.

Allele frequency attached by ClinVar (database versions not stated): gnomAD exomes 0.00003 and 0.00007; ExAC 0.00009; 1000 Genomes Project 30x 0.00016; 1000 Genomes Project 0.00020; ESP Exome Variant Server 0.00023; gnomAD 0.00024 and 0.00026; TOPMed 0.00027.
gnomAD v4.1: 80 of 1,613,850 alleles (0.005%); highest among the groups gnomAD compares: African/African-American, 0.093%; no homozygotes.

Submissions (5):

Labcorp Genetics (formerly Invitae), Labcorp
Classification: Likely benign for Long QT syndrome. Last evaluated: 2026-02-02. Review status: criteria provided, single submitter. Criteria: Invitae Variant Classification Sherloc (09022015). Collection method: clinical testing. Allele origin: germline.

Blueprint Genetics
Classification: Likely benign. Last evaluated: 2021-12-03. Review status: criteria provided, single submitter. Criteria: ACMG Guidelines, 2015. Collection method: clinical testing. Allele origin: germline.

GeneDx
Classification: Likely benign. Last evaluated: 2021-06-22. Review status: criteria provided, single submitter. Criteria: GeneDx Variant Classification Process June 2021. Collection method: clinical testing. Allele origin: germline. Affected: yes.

Ambry Genetics
Classification: Likely benign for Cardiovascular phenotype. Last evaluated: 2020-03-10. Review status: criteria provided, single submitter. Criteria: Ambry Variant Classification Scheme 2023. Collection method: clinical testing. Allele origin: germline.

PreventionGenetics, part of Exact Sciences
Classification: Likely benign for KCNJ5-related condition. Last evaluated: 2019-09-10. Review status: no assertion criteria provided. Collection method: clinical testing. Allele origin: germline. Not counted in ClinVar's aggregate classification.
Comment: This variant is classified as likely benign based on ACMG/AMP sequence variant interpretation guidelines (Richards et al. 2015 PMID: 25741868, with internal and published modifications).

NM_000890.5(KCNJ5):c.1158G>C (p.Leu386=)

Gene: KCNJ5 (potassium inwardly rectifying channel subfamily J member 5; plus strand). Cytogenetic location: 11q24.3.
Variant type: single nucleotide variant.
Coding change: c.1158G>C on transcript NM_000890.5 (MANE Select); coding-DNA position 1158, G replaced by C.
Protein change: p.Leu386=; no amino-acid change (leucine 386 retained).
Molecular consequence: synonymous variant.
Genome position (GRCh38, 1-based): chr11:128,916,629, G>C. VCF-style: chr11-128916629-G-C. GRCh37 (hg19) VCF-style: chr11-128786524-G-C.
Other names: c.1158G>C, p.Leu386= (NM_001354169.2).
Identifiers: ClinVar variation 680450 (VCV000680450.17), dbSNP rs141325005, ClinGen allele CA6358008.